The following is an entry in ClinVar:

ClinVar aggregate classification (germline): Uncertain significance (1 of 4 stars; one submission).

Submission:

Labcorp Genetics (formerly Invitae), Labcorp
Classification: Uncertain significance. Last evaluated: 2022-07-06. Review status: criteria provided, single submitter. Criteria: Invitae Variant Classification Sherloc (09022015). Collection method: clinical testing. Allele origin: germline.
Comment: In summary, the available evidence is currently insufficient to determine the role of this variant in disease. Therefore, it has been classified as a Variant of Uncertain Significance. Algorithms developed to predict the effect of missense changes on protein structure and function output the following: SIFT: "Tolerated"; PolyPhen-2: "Benign"; Align-GVGD: "Class C0". The leucine amino acid residue is found in multiple mammalian species, which suggests that this missense change does not adversely affect protein function. ClinVar contains an entry for this variant (Variation ID: 1409020). This variant has not been reported in the literature in individuals affected with DTHD1-related conditions. This variant is not present in population databases (gnomAD no frequency). This sequence change replaces phenylalanine, which is neutral and non-polar, with leucine, which is neutral and non-polar, at codon 222 of the DTHD1 protein (p.Phe222Leu).

NM_001170700.3(DTHD1):c.1536T>A (p.Phe512Leu)

Gene: DTHD1 (death domain containing 1; plus strand). Cytogenetic location: 4p14.
Variant type: single nucleotide variant.
Coding change: c.1536T>A on transcript NM_001170700.3 (MANE Select); coding-DNA position 1536, T replaced by A.
Protein change: p.Phe512Leu; replaces phenylalanine 512 with leucine.
Molecular consequence: missense variant. On other transcripts: non-coding transcript variant (2).
Genome position (GRCh38, 1-based): chr4:36,294,932, T>A. VCF-style: chr4-36294932-T-A. GRCh37 (hg19) VCF-style: chr4-36296554-T-A.
Other names: c.666T>A, p.Phe222Leu (NM_001136536.5); c.603T>A, p.Phe201Leu (NM_001378435.1); short protein forms F222L, F201L, F512L.
Identifiers: ClinVar variation 1409020 (VCV001409020.8), dbSNP rs2109464653, ClinGen allele CA356680022.
Genomic context (GRCh38, chr4:36,294,932, plus strand): 5'-CCCTCTGATTCACATTCAGCACCCATCAACTTATCCTTTTCAGAAGCCAGTCACTTTGTT[T>A]TTACCTTGTTCTCCATACCTTGATAAAAACAACCTTGGTTCTGAGATAGATCATAAAAGA-3'
Protein context (NP_001164171.2, residues 502-522): TYPFQKPVTL[Phe512Leu]LPCSPYLDKN